The following is an entry in ClinVar:

ClinVar aggregate classification (germline): Pathogenic (1 of 4 stars; one submission).

Conditions:
Medium-chain acyl-coenzyme A dehydrogenase deficiency (ACADMD). Also called: Medium chain acyl-CoA dehydrogenase deficiency; CARNITINE DEFICIENCY SECONDARY TO MEDIUM-CHAIN ACYL-CoA DEHYDROGENASE DEFICIENCY; MCAD Deficiency; MCADH DEFICIENCY; ACADM DEFICIENCY; MCADD. Identifiers: Orphanet 42, MedGen C0220710, MONDO:0008721, OMIM 201450.

Submission:

Labcorp Genetics (formerly Invitae), Labcorp
Classification: Pathogenic for Medium-chain acyl-coenzyme A dehydrogenase deficiency. Last evaluated: 2023-12-01. Review status: criteria provided, single submitter. Criteria: Invitae Variant Classification Sherloc (09022015). Collection method: clinical testing. Allele origin: unknown.
Comment: This variant is a gross deletion of the genomic region encompassing exon(s) 3-6 of the ACADM gene. This deletion is out-of-frame, and is expected to create a premature termination codon and result in an absent or disrupted protein product. Loss-of-function variants in ACADM are known to be pathogenic (PMID: 16121256, 20434380). This variant has not been reported in the literature in individuals affected with ACADM-related conditions. For these reasons, this variant has been classified as Pathogenic.

Literature cited by the submitters: PubMed 16121256; PubMed 20434380.

NC_000001.10:g.(?_76198309)_(76200576_?)del

Gene: ACADM (acyl-CoA dehydrogenase medium chain; plus strand). Cytogenetic location: 1p31.1.
Variant type: Deletion.
Identifiers: ClinVar variation 3247652 (VCV003247652.1).